The following is an entry in ClinVar:

NM_006949.4(STXBP2):c.330C>A (p.Cys110Ter)

Gene: STXBP2 (syntaxin binding protein 2; plus strand). Cytogenetic location: 19p13.2.
Variant type: single nucleotide variant.
Coding change: c.330C>A on transcript NM_006949.4 (MANE Select); coding-DNA position 330, C replaced by A.
Protein change: p.Cys110Ter; replaces cysteine 110 with a stop codon.
Molecular consequence: nonsense. On other transcripts: non-coding transcript variant (1).
Genome position (GRCh38, 1-based): chr19:7,640,904, C>A. VCF-style: chr19-7640904-C-A. GRCh37 (hg19) VCF-style: chr19-7705790-C-A.
Other names: c.321C>A, p.Cys107Ter (NM_001127396.3); c.363C>A, p.Cys121Ter (NM_001272034.2); c.234C>A, p.Cys78Ter (NM_001414484.1); short protein forms C78*, C110*, C107*, C121*.
Identifiers: ClinVar variation 4733414 (VCV004733414.1).

ClinVar aggregate classification (germline): Pathogenic (1 of 4 stars; one submission).

Conditions:
Familial hemophagocytic lymphohistiocytosis 5. Also called: STXBP2-Related Familial Hemophagocytic Lymphohistiocytosis (STXBP2-fHLH). Identifiers: Orphanet 540, MedGen C2751293, MONDO:0013135, OMIM 613101.

Submission:

Labcorp Genetics (formerly Invitae), Labcorp
Classification: Pathogenic for Familial hemophagocytic lymphohistiocytosis 5. Last evaluated: 2025-12-16. Review status: criteria provided, single submitter. Criteria: Invitae Variant Classification Sherloc (09022015). Collection method: clinical testing. Allele origin: germline.
Comment: This sequence change creates a premature translational stop signal (p.Cys110*) in the STXBP2 gene. It is expected to result in an absent or disrupted protein product. Loss-of-function variants in STXBP2 are known to be pathogenic (PMID: 19804848, 22451424). This variant is not present in population databases (gnomAD no frequency). This variant has not been reported in the literature in individuals affected with STXBP2-related conditions. Algorithms developed to predict the effect of sequence changes on RNA splicing suggest that this variant may create or strengthen a splice site. For these reasons, this variant has been classified as Pathogenic.

Literature cited by the submitters: PubMed 19804848; PubMed 22451424.